The following is an entry in ClinVar:

NM_001303052.2(MYT1L):c.2500G>A (p.Asp834Asn)

Gene: MYT1L (myelin transcription factor 1 like; minus strand). Cytogenetic location: 2p25.3.
Variant type: single nucleotide variant.
Coding change: c.2500G>A on transcript NM_001303052.2 (MANE Select); coding-DNA position 2500, G replaced by A.
Protein change: p.Asp834Asn; replaces aspartic acid 834 with asparagine.
Molecular consequence: missense variant.
Genome position (GRCh38, 1-based): chr2:1,889,261, C>T on the plus strand (G>A on the coding strand, the complement: MYT1L is on the minus strand). VCF-style: chr2-1889261-C-T. GRCh37 (hg19) VCF-style: chr2-1893033-C-T.
Other names: c.2500G>A, p.Asp834Asn (NM_001329844.2, NM_001329845.1, NM_001329851.3); c.2494G>A, p.Asp832Asn (NM_001329846.3, NM_001329847.2, NM_001329848.1 and 3 more transcripts); short protein forms D834N, D832N.
Identifiers: ClinVar variation 4984067 (VCV004984067.1).

ClinVar aggregate classification (germline): Uncertain significance (1 of 4 stars; one submission).

Conditions:
MYT1L-related disorder. Also called: MYT1L-related condition.

gnomAD v4.1: 1 of 1,613,812 alleles (0.000062%); highest among the groups gnomAD compares: Non-Finnish European, 0.000085%; no homozygotes.

Submission:

PreventionGenetics, part of Exact Sciences
Classification: Uncertain significance for MYT1L-related condition. Last evaluated: 2025-03-13. Review status: criteria provided, single submitter. Criteria: ACMG Guidelines, 2015. Collection method: clinical testing. Allele origin: germline.
Comment: The MYT1L c.2500G>A variant is predicted to result in the amino acid substitution p.Asp834Asn. To our knowledge, this variant has not been reported in the literature or in a large population database (gnomAD), indicating this variant is rare. At this time, the clinical significance of this variant is uncertain due to the absence of conclusive functional and genetic evidence.